The following is an entry in ClinVar:

NM_002860.4(ALDH18A1):c.928_929delinsAT (p.Ala310Ile)

Gene: ALDH18A1 (aldehyde dehydrogenase 18 family member A1; minus strand). Cytogenetic location: 10q24.1.
Variant type: Indel.
Coding change: c.928_929delinsAT on transcript NM_002860.4 (MANE Select); coding-DNA positions 928 to 929, GC replaced by AT.
Protein change: p.Ala310Ile; replaces alanine 310 with isoleucine.
Molecular consequence: missense variant.
Genome position (GRCh38, 1-based): chr10:95,628,372-95,628,373, GC replaced by AT on the plus strand (GC replaced by AT on the coding strand, the reverse complement: ALDH18A1 is on the minus strand). VCF-style: chr10-95628372-GC-AT. GRCh37 (hg19) VCF-style: chr10-97388129-GC-AT.
Other names: c.922_923delinsAT, p.Ala308Ile (NM_001017423.2, NM_001323415.2); c.595_596delinsAT, p.Ala199Ile (NM_001323412.2, NM_001323416.2); c.928_929delinsAT, p.Ala310Ile (NM_001323413.2, NM_001323414.2); c.823_824delinsAT, p.Ala275Ile (NM_001323417.2); c.589_590delinsAT, p.Ala197Ile (NM_001323418.2); c.292_293delinsAT, p.Ala98Ile (NM_001323419.2); short protein forms A98I, A197I, A275I, A199I, A308I, A310I.
Identifiers: ClinVar variation 2126092 (VCV002126092.4), dbSNP rs2526835445, ClinGen allele CA2580082574.

ClinVar aggregate classification (germline): Uncertain significance (1 of 4 stars; one submission).

Conditions:
Cutis laxa, autosomal dominant 3 (ADCL3). Identifiers: Orphanet 90348, MedGen C4225268, MONDO:0014706, OMIM 616603.
Autosomal dominant spastic paraplegia type 9. Identifiers: MedGen C1832669, MONDO:0015091.
de Barsy syndrome. Also called: Cutis laxa-corneal clouding-oligophrenia syndrome. Identifiers: Orphanet 2962, MedGen C0268354, MONDO:0017569.

Submission:

Labcorp Genetics (formerly Invitae), Labcorp
Classification: Uncertain significance for Autosomal dominant spastic paraplegia type 9; de Barsy syndrome; Cutis laxa, autosomal dominant 3. Last evaluated: 2022-08-09. Review status: criteria provided, single submitter. Criteria: Invitae Variant Classification Sherloc (09022015). Collection method: clinical testing. Allele origin: germline.
Comment: This sequence change replaces alanine, which is neutral and non-polar, with isoleucine, which is neutral and non-polar, at codon 310 of the ALDH18A1 protein (p.Ala310Ile). Information on the frequency of this variant in the gnomAD database is not available, as this variant may be reported differently in the database. This variant has not been reported in the literature in individuals affected with ALDH18A1-related conditions. Algorithms developed to predict the effect of missense changes on protein structure and function are either unavailable or do not agree on the potential impact of this missense change (SIFT: "Not Available"; PolyPhen-2: "Possibly Damaging"; Align-GVGD: "Not Available"). In summary, the available evidence is currently insufficient to determine the role of this variant in disease. Therefore, it has been classified as a Variant of Uncertain Significance.